The following is an entry in ClinVar:

NM_001365536.1(SCN9A):c.1465T>C (p.Ser489Pro)

Genes: SCN1A-AS1 (SCN1A and SCN9A antisense RNA 1; plus strand), SCN9A (sodium voltage-gated channel alpha subunit 9; minus strand). Cytogenetic location: 2q24.3.
Variant type: single nucleotide variant.
Coding change: c.1465T>C on transcript NM_001365536.1 (MANE Select); coding-DNA position 1465, T replaced by C.
Protein change: p.Ser489Pro; replaces serine 489 with proline.
Molecular consequence: missense variant.
Genome position (GRCh38, 1-based): chr2:166,286,473, A>G on the plus strand (T>C on the coding strand, the complement: SCN9A is on the minus strand). VCF-style: chr2-166286473-A-G. GRCh37 (hg19) VCF-style: chr2-167142983-A-G.
Other names: c.1465T>C, p.Ser489Pro (NM_002977.4); short protein forms S489P.
Identifiers: ClinVar variation 1430300 (VCV001430300.8), dbSNP rs1697749010, ClinGen allele CA349084681.

ClinVar aggregate classification (germline): Uncertain significance (1 of 4 stars; one submission).

Conditions:
Generalized epilepsy with febrile seizures plus, type 7 (GEFSP7). Also called: GEFS+, TYPE 7. Identifiers: Orphanet 36387, MedGen C2751778, MONDO:0013470, OMIM 613863.
Neuropathy, hereditary sensory and autonomic, type 2A (HSAN2A). Also called: HSAN IIA; ACROOSTEOLYSIS, GIACCAI TYPE; ACROOSTEOLYSIS, NEUROGENIC; NEUROPATHY, CONGENITAL SENSORY; NEUROPATHY, HEREDITARY SENSORY RADICULAR, AUTOSOMAL RECESSIVE; NEUROPATHY, HEREDITARY SENSORY, TYPE IIA. Identifiers: Orphanet 970, MedGen C2752089, MONDO:0024309, OMIM 201300.

Allele frequency attached by ClinVar (database versions not stated): gnomAD exomes below 0.00001.
gnomAD v4.1: 1 of 1,613,730 alleles (0.000062%); highest among the groups gnomAD compares: African/African-American, 0.0013%; no homozygotes.

Submission:

Labcorp Genetics (formerly Invitae), Labcorp
Classification: Uncertain significance for Neuropathy, hereditary sensory and autonomic, type 2A; Generalized epilepsy with febrile seizures plus, type 7. Last evaluated: 2022-02-03. Review status: criteria provided, single submitter. Criteria: Invitae Variant Classification Sherloc (09022015). Collection method: clinical testing. Allele origin: germline.
Comment: This variant is not present in population databases (gnomAD no frequency). This variant has not been reported in the literature in individuals affected with SCN9A-related conditions. Algorithms developed to predict the effect of missense changes on protein structure and function (SIFT, PolyPhen-2, Align-GVGD) all suggest that this variant is likely to be tolerated. In summary, the available evidence is currently insufficient to determine the role of this variant in disease. Therefore, it has been classified as a Variant of Uncertain Significance. This sequence change replaces serine, which is neutral and polar, with proline, which is neutral and non-polar, at codon 489 of the SCN9A protein (p.Ser489Pro).